The following is an entry in ClinVar:

ClinVar aggregate classification (germline): Uncertain significance (1 of 4 stars; one submission).

Submission:

Greenwood Genetic Center Diagnostic Laboratories, Greenwood Genetic Center
Classification: Uncertain significance. Last evaluated: 2025-06-12. Review status: criteria provided, single submitter. Criteria: ACMG Guidelines, 2015. Collection method: clinical testing. Allele origin: germline. Affected: yes.
Comment: PM2, BP4

NM_019851.3(FGF20):c.282C>T (p.Leu94=)

Gene: FGF20 (fibroblast growth factor 20; minus strand). Cytogenetic location: 8p22.
Variant type: single nucleotide variant.
Coding change: c.282C>T on transcript NM_019851.3 (MANE Select); coding-DNA position 282, C replaced by T.
Protein change: p.Leu94=; no amino-acid change (leucine 94 retained).
Molecular consequence: synonymous variant.
Genome position (GRCh38, 1-based): chr8:17,001,751, G>A on the plus strand (C>T on the coding strand, the complement: FGF20 is on the minus strand). VCF-style: chr8-17001751-G-A. GRCh37 (hg19) VCF-style: chr8-16859260-G-A.
Identifiers: ClinVar variation 4538306 (VCV004538306.1).
Genomic context (GRCh38, chr8:17,001,751, plus strand): 5'-AACGAGGAGCCGAGCTGGGGCGCAGATGGGGGTGGGGTCGGGATGCTAGTACGTACCGAA[G>A]AGGCTGTGGTCCTGCCGGGTGCCCTGCACGCTGCCGTCGGGCAGGATCTGCAGGTGGAAG-3'
Protein context (NP_062825.1, residues 84-104): SVQGTRQDHS[Leu94=]FGILEFISVA